The following is an entry in ClinVar:

ClinVar aggregate classification (germline): Likely pathogenic. Review status: criteria provided, multiple submitters, no conflicts (2 of 4 stars). 2 submissions from 2 submitters: Likely pathogenic (2). Last evaluated 2025-03-07.

Conditions:
Bartter syndrome. Identifiers: Orphanet 112, MedGen C0004775, MONDO:0015231.

Submissions (2):

Natera, Inc.
Classification: Likely pathogenic for Bartter syndrome. Last evaluated: 2025-03-07. Review status: criteria provided, single submitter. Criteria: Natera Variant Classification Schema (03/2026). Collection method: clinical testing. Allele origin: germline.
Comment: The c.178-2A>C variant in BSND is a canonical splice acceptor site variant predicted to affect pre-mRNA splicing, which may result in an abnormal transcript and altered protein product. This variant is expected to result in nonsense mediated decay, truncation, or a dysfunctional protein product. This variant is rare in the general population with a frequency below the threshold expected for the associated phenotype(s). Given the available evidence, this variant is classified as Likely Pathogenic.

Labcorp Genetics (formerly Invitae), Labcorp
Classification: Likely pathogenic. Last evaluated: 2023-03-29. Review status: criteria provided, single submitter. Criteria: Invitae Variant Classification Sherloc (09022015). Collection method: clinical testing. Allele origin: germline.
Comment: This sequence change affects an acceptor splice site in intron 1 of the BSND gene. It is expected to disrupt RNA splicing. Variants that disrupt the donor or acceptor splice site typically lead to a loss of protein function (PMID: 16199547), and loss-of-function variants in BSND are known to be pathogenic (PMID: 11687798). This variant is present in population databases (no rsID available, gnomAD 0.0009%). This variant has not been reported in the literature in individuals affected with BSND-related conditions. Algorithms developed to predict the effect of sequence changes on RNA splicing suggest that this variant may disrupt the consensus splice site. In summary, the currently available evidence indicates that the variant is pathogenic, but additional data are needed to prove that conclusively. Therefore, this variant has been classified as Likely Pathogenic.

Literature cited by the submitters: PubMed 16199547 (cited by Labcorp Genetics (formerly Invitae), Labcorp); PubMed 11687798 (cited by Labcorp Genetics (formerly Invitae), Labcorp).

NM_057176.3(BSND):c.178-2A>C

Gene: BSND (barttin CLCNK type accessory subunit beta; plus strand). Cytogenetic location: 1p32.3.
Variant type: single nucleotide variant.
Coding change: c.178-2A>C on transcript NM_057176.3 (MANE Select); the canonical splice acceptor site of the intron before coding-DNA position 178, A replaced by C.
Molecular consequence: splice acceptor variant.
Genome position (GRCh38, 1-based): chr1:55,005,020, A>C. VCF-style: chr1-55005020-A-C. GRCh37 (hg19) VCF-style: chr1-55470693-A-C.
Other names: c.178-2A>C (NM_057176.2).
Identifiers: ClinVar variation 2812563 (VCV002812563.5), dbSNP rs1301110174, ClinGen allele CA340471161.